The following is an entry in ClinVar:

ClinVar aggregate classification (germline): Uncertain significance. Review status: criteria provided, multiple submitters, no conflicts (2 of 4 stars). 2 submissions from 2 submitters: Uncertain significance (2). Last evaluated 2025-10-08.

Conditions:
Inborn genetic diseases. Identifiers: MedGen C0950123, MeSH D030342.

Submissions (2):

Labcorp Genetics (formerly Invitae), Labcorp
Classification: Uncertain significance. Last evaluated: 2025-10-08. Review status: criteria provided, single submitter. Criteria: Invitae Variant Classification Sherloc (09022015). Collection method: clinical testing. Allele origin: germline.
Comment: This sequence change replaces aspartic acid, which is acidic and polar, with asparagine, which is neutral and polar, at codon 49 of the MBD4 protein (p.Asp49Asn). This variant is present in population databases (no rsID available, gnomAD 0.0009%). This variant has not been reported in the literature in individuals affected with MBD4-related conditions. ClinVar contains an entry for this variant (Variation ID: 3688744). An algorithm developed to predict the effect of missense changes on protein structure and function outputs the following: PolyPhen-2: "Benign". The asparagine amino acid residue is found in multiple mammalian species, which suggests that this missense change does not adversely affect protein function. In summary, the available evidence is currently insufficient to determine the role of this variant in disease. Therefore, it has been classified as a Variant of Uncertain Significance.

Ambry Genetics
Classification: Uncertain significance for Inborn genetic diseases. Last evaluated: 2025-02-09. Review status: criteria provided, single submitter. Criteria: Ambry Variant Classification Scheme 2023. Collection method: clinical testing. Allele origin: germline.
Comment: The p.D49N variant (also known as c.145G>A), located in coding exon 2 of the MBD4 gene, results from a G to A substitution at nucleotide position 145. The aspartic acid at codon 49 is replaced by asparagine, an amino acid with highly similar properties. This amino acid position is conserved. In addition, this alteration is predicted to be tolerated by in silico analysis. Based on the available evidence, the clinical significance of this variant remains unclear.

NM_001276270.2(MBD4):c.145G>A (p.Asp49Asn)

Gene: MBD4 (methyl-CpG binding domain 4, DNA glycosylase; minus strand). Cytogenetic location: 3q21.3.
Variant type: single nucleotide variant.
Coding change: c.145G>A on transcript NM_001276270.2 (MANE Select); coding-DNA position 145, G replaced by A.
Protein change: p.Asp49Asn; replaces aspartic acid 49 with asparagine.
Molecular consequence: missense variant.
Genome position (GRCh38, 1-based): chr3:129,437,910, C>T on the plus strand (G>A on the coding strand, the complement: MBD4 is on the minus strand). VCF-style: chr3-129437910-C-T. GRCh37 (hg19) VCF-style: chr3-129156753-C-T.
Other names: c.145G>A, p.Asp49Asn (NM_001276271.2, NM_001276272.2, NM_001276273.2 and 1 more transcripts); short protein forms D49N.
Identifiers: ClinVar variation 3688744 (VCV003688744.3).